The following is an entry in ClinVar:

ClinVar aggregate classification (germline): Benign (0 of 4 stars; one submission).

Conditions:
DNAH2-related disorder. Also called: DNAH2-related condition.

Allele frequency attached by ClinVar (database versions not stated): ESP Exome Variant Server 0.00069; gnomAD exomes 0.00084; TOPMed 0.00092; gnomAD 0.00117; ExAC 0.00225; 1000 Genomes Project 0.00339; 1000 Genomes Project 30x 0.00359.
gnomAD v4.1: 1,413 of 1,612,954 alleles (0.088%); highest among the groups gnomAD compares: South Asian, 1.3%; 18 homozygotes.

Submission:

PreventionGenetics, part of Exact Sciences
Classification: Benign for DNAH2-related condition. Last evaluated: 2019-02-22. Review status: no assertion criteria provided. Collection method: clinical testing. Allele origin: germline.
Comment: This variant is classified as benign based on ACMG/AMP sequence variant interpretation guidelines (Richards et al. 2015 PMID: 25741868, with internal and published modifications).

NM_020877.5(DNAH2):c.4980G>A (p.Thr1660=)

Gene: DNAH2 (dynein axonemal heavy chain 2; plus strand). Cytogenetic location: 17p13.1.
Variant type: single nucleotide variant.
Coding change: c.4980G>A on transcript NM_020877.5 (MANE Select); coding-DNA position 4980, G replaced by A.
Protein change: p.Thr1660=; no amino-acid change (threonine 1660 retained).
Molecular consequence: synonymous variant.
Genome position (GRCh38, 1-based): chr17:7,776,811, G>A. VCF-style: chr17-7776811-G-A. GRCh37 (hg19) VCF-style: chr17-7680129-G-A.
Identifiers: ClinVar variation 3049000 (VCV003049000.2), dbSNP rs144727045, ClinGen allele CA8357319.